The following is an entry in ClinVar:

NM_001357.5(DHX9):c.2038C>G (p.Arg680Gly)

Gene: DHX9 (DExH-box helicase 9; plus strand). Cytogenetic location: 1q25.3.
Variant type: single nucleotide variant.
Coding change: c.2038C>G on transcript NM_001357.5 (MANE Select); coding-DNA position 2038, C replaced by G.
Protein change: p.Arg680Gly; replaces arginine 680 with glycine.
Molecular consequence: missense variant. On other transcripts: non-coding transcript variant (1).
Genome position (GRCh38, 1-based): chr1:182,876,455, C>G. VCF-style: chr1-182876455-C-G. GRCh37 (hg19) VCF-style: chr1-182845590-C-G.
Other names: short protein forms R680G.
Identifiers: ClinVar variation 3673289 (VCV003673289.2).
Genomic context (GRCh38, chr1:182,876,455, plus strand): 5'-TTTGAAACCAGCTCCTGTTTTTAGTCCCTGATTGTTCTTTATTGTTATATAGGAAGCCAT[C>G]GGTATCAGATTCTACCCCTGCATTCTCAGATTCCTCGAGAGGAACAGCGCAAAGTGTTTG-3'
Protein context (NP_001348.2, residues 670-690): LEMNPHFGSH[Arg680Gly]YQILPLHSQI

ClinVar aggregate classification (germline): Uncertain significance (1 of 4 stars; one submission).

Submission:

Labcorp Genetics (formerly Invitae), Labcorp
Classification: Uncertain significance. Last evaluated: 2024-05-28. Review status: criteria provided, single submitter. Criteria: Invitae Variant Classification Sherloc (09022015). Collection method: clinical testing. Allele origin: germline.
Comment: This sequence change replaces arginine, which is basic and polar, with glycine, which is neutral and non-polar, at codon 680 of the DHX9 protein (p.Arg680Gly). This variant is not present in population databases (gnomAD no frequency). This variant has not been reported in the literature in individuals affected with DHX9-related conditions. An algorithm developed to predict the effect of missense changes on protein structure and function (PolyPhen-2) suggests that this variant is likely to be tolerated. In summary, the available evidence is currently insufficient to determine the role of this variant in disease. Therefore, it has been classified as a Variant of Uncertain Significance.